The following is an entry in ClinVar:

ClinVar aggregate classification (germline): Likely benign. Review status: criteria provided, multiple submitters, no conflicts (2 of 4 stars). 2 submissions from 2 submitters: Likely benign (2). Last evaluated 2026-09-02.

Conditions:
Bethlem myopathy 1A. Also called: Bethlem Muscular Dystrophy; MYOPATHY, BENIGN CONGENITAL, WITH CONTRACTURES; Bethlem myopathy 1. Identifiers: Orphanet 610, MedGen CN029274, MONDO:0024530, OMIM 158810.
COL6A3-related disorder. Also called: COL6A3-related disorders; COL6A3-related condition.

Allele frequency attached by ClinVar (database versions not stated): gnomAD exomes 0.00001.
gnomAD v4.1: 13 of 1,613,922 alleles (0.00081%); highest among the groups gnomAD compares: Admixed American, 0.0017%; no homozygotes.

Submissions (2):

PreventionGenetics, part of Exact Sciences
Classification: Likely benign for COL6A3-related condition. Last evaluated: 2026-09-02. Review status: criteria provided, single submitter. Criteria: ACMG Guidelines, 2015. Collection method: clinical testing. Allele origin: germline.
Comment: This variant is classified as likely benign based on ACMG/AMP sequence variant interpretation guidelines (Richards et al. 2015 PMID: 25741868, with internal and published modifications).

Labcorp Genetics (formerly Invitae), Labcorp
Classification: Likely benign for Bethlem myopathy 1A. Last evaluated: 2024-07-30. Review status: criteria provided, single submitter. Criteria: Invitae Variant Classification Sherloc (09022015). Collection method: clinical testing. Allele origin: germline.

NM_004369.4(COL6A3):c.4089C>T (p.Gly1363=)

Gene: COL6A3 (collagen type VI alpha 3 chain; minus strand). Cytogenetic location: 2q37.3.
Variant type: single nucleotide variant.
Coding change: c.4089C>T on transcript NM_004369.4 (MANE Select); coding-DNA position 4089, C replaced by T.
Protein change: p.Gly1363=; no amino-acid change (glycine 1363 retained).
Molecular consequence: synonymous variant.
Genome position (GRCh38, 1-based): chr2:237,371,928, G>A on the plus strand (C>T on the coding strand, the complement: COL6A3 is on the minus strand). VCF-style: chr2-237371928-G-A. GRCh37 (hg19) VCF-style: chr2-238280571-G-A.
Other names: c.2868C>T, p.Gly956= (NM_057164.5); c.3471C>T, p.Gly1157= (NM_057165.5, NM_057167.4); c.2268C>T, p.Gly756= (NM_057166.5).
Identifiers: ClinVar variation 2197288 (VCV002197288.5), dbSNP rs1016517819, ClinGen allele CA67818861.